The following is an entry in ClinVar:

NM_004369.4(COL6A3):c.5968C>T (p.Arg1990Trp)

Gene: COL6A3 (collagen type VI alpha 3 chain; minus strand). Cytogenetic location: 2q37.3.
Variant type: single nucleotide variant.
Coding change: c.5968C>T on transcript NM_004369.4 (MANE Select); coding-DNA position 5968, C replaced by T.
Protein change: p.Arg1990Trp; replaces arginine 1990 with tryptophan.
Molecular consequence: missense variant.
Genome position (GRCh38, 1-based): chr2:237,363,348, G>A on the plus strand (C>T on the coding strand, the complement: COL6A3 is on the minus strand). VCF-style: chr2-237363348-G-A. GRCh37 (hg19) VCF-style: chr2-238271991-G-A.
Other names: p.Arg1990Trp; c.4147C>T, p.Arg1383Trp (NM_057166.5); c.5350C>T, p.Arg1784Trp (NM_057167.4); short protein forms R1990W, R1383W, R1784W.
Identifiers: ClinVar variation 285696 (VCV000285696.45), dbSNP rs146546544, ClinGen allele CA2188511.

ClinVar aggregate classification (germline): Conflicting classifications of pathogenicity. Review status: criteria provided, conflicting classifications (1 of 4 stars). 10 submissions from 10 submitters: Uncertain significance (1); Benign (3); Likely benign (5). 1 of the submissions does not count toward it. Last evaluated 2026-01-09.

Conditions:
COL6A3-related disorder. Also called: COL6A3-related disorders; COL6A3-related condition.
Collagen 6-related myopathy. Identifiers: MedGen CN117976, MONDO:0100225.
Bethlem myopathy 1A. Also called: Bethlem myopathy 1; Bethlem Muscular Dystrophy; MYOPATHY, BENIGN CONGENITAL, WITH CONTRACTURES. Identifiers: Orphanet 610, MedGen CN029274, MONDO:0024530, OMIM 158810.
Congenital contracture. Also called: Congenital contractures. Identifiers: MedGen C0332878, MONDO:0022823, HP:0002803.

Allele frequency attached by ClinVar (database versions not stated): gnomAD 0.00010 and 0.00036; TOPMed 0.00014; gnomAD exomes 0.00105; ExAC 0.00119; 1000 Genomes Project 30x 0.00156; 1000 Genomes Project 0.00200.
gnomAD v4.1: 883 of 1,614,044 alleles (0.055%); highest among the groups gnomAD compares: South Asian, 0.8%; 9 homozygotes.

Submissions (10):

Labcorp Genetics (formerly Invitae), Labcorp
Classification: Benign for Bethlem myopathy 1A. Last evaluated: 2026-01-09. Review status: criteria provided, single submitter. Criteria: Invitae Variant Classification Sherloc (09022015). Collection method: clinical testing. Allele origin: germline.

Athena Diagnostics
Classification: Benign. Last evaluated: 2025-10-23. Review status: criteria provided, single submitter. Criteria: Athena Diagnostics Criteria. Collection method: clinical testing. Allele origin: unknown.
Comment: The frequency of this variant in the general population is higher than would generally be expected for pathogenic variants in this gene.

Mayo Clinic Laboratories, Mayo Clinic
Classification: Likely benign. Last evaluated: 2025-07-29. Review status: criteria provided, single submitter. Criteria: ACMG Guidelines, 2015. Collection method: clinical testing. Allele origin: germline. Observed: 1 variant allele.
Comment: BS1, BP4_moderate

Blueprint Genetics
Classification: Likely benign. Last evaluated: 2024-11-19. Review status: criteria provided, single submitter. Criteria: ACMG Guidelines, 2015. Collection method: clinical testing. Allele origin: germline.

CeGaT Center for Human Genetics Tuebingen
Classification: Likely benign. Last evaluated: 2023-07-01. Review status: criteria provided, single submitter. Criteria: CeGaT Center For Human Genetics Tuebingen Variant Classification Criteria Version 2. Collection method: clinical testing. Allele origin: germline. Affected: yes. Observed: 1 variant allele.
Comment: COL6A3: BP4, BS1

Illumina Laboratory Services, Illumina
Classification: Benign for Collagen VI-related myopathy. Last evaluated: 2018-01-12. Review status: criteria provided, single submitter. Criteria: ICSL Variant Classification Criteria 13 December 2019. Collection method: clinical testing. Allele origin: germline.
Comment: This variant was observed in the ICSL laboratory as part of a predisposition screen in an ostensibly healthy population. It had not been previously curated by ICSL or reported in the Human Gene Mutation Database (HGMD: prior to June 1st, 2018), and was therefore a candidate for classification through an automated scoring system. Utilizing variant allele frequency, disease prevalence and penetrance estimates, and inheritance mode, an automated score was calculated to assess if this variant is too frequent to cause the disease. Based on the score and internal cut-off values, a variant classified as benign is not then subjected to further curation. The score for this variant resulted in a classification of benign for this disease.

GeneDx
Classification: Likely benign. Last evaluated: 2017-12-26. Review status: criteria provided, single submitter. Criteria: GeneDx Variant Classification (06012015). Collection method: clinical testing. Allele origin: germline. Affected: yes.
Comment: This variant is considered likely benign or benign based on one or more of the following criteria: it is a conservative change, it occurs at a poorly conserved position in the protein, it is predicted to be benign by multiple in silico algorithms, and/or has population frequency not consistent with disease.

Eurofins Ntd Llc (ga)
Classification: Likely benign. Last evaluated: 2016-01-29. Review status: criteria provided, single submitter. Criteria: EGL Classification Definitions 2015. Collection method: clinical testing. Allele origin: germline. Observed: 1 variant allele, 1 heterozygote.

Center of Genomic medicine, Geneva, University Hospital of Geneva
Classification: Uncertain significance for Congenital contracture. Last evaluated: 2015-04-10. Review status: criteria provided, single submitter. Criteria: ACMG Guidelines, 2015. Collection method: clinical testing. Allele origin: inherited. Affected: yes.
Comment: This homozygous variant in the COL6A3 gene was found in a fÅ“tus with arthrogryposis.

PreventionGenetics, part of Exact Sciences
Classification: Benign for COL6A3-related condition. Last evaluated: 2022-07-05. Review status: no assertion criteria provided. Collection method: clinical testing. Allele origin: germline. Not counted in ClinVar's aggregate classification.
Comment: This variant is classified as benign based on ACMG/AMP sequence variant interpretation guidelines (Richards et al. 2015 PMID: 25741868, with internal and published modifications).

Literature cited by the submitters: PubMed 31660995 (cited by Mayo Clinic Laboratories, Mayo Clinic); PubMed 34037256 (cited by Mayo Clinic Laboratories, Mayo Clinic).